The following is an entry in ClinVar:

ClinVar aggregate classification (germline): Uncertain significance (1 of 4 stars; one submission).

Conditions:
Succinate-semialdehyde dehydrogenase deficiency (SSADHD). Also called: GABA METABOLIC DEFECT; SSADH DEFICIENCY; 4-HYDROXYBUTYRIC ACIDURIA; Succinic Semialdehyde Dehydrogenase Deficiency. Identifiers: Orphanet 22, MedGen C0268631, MONDO:0010083, OMIM 271980.

Submission:

Labcorp Genetics (formerly Invitae), Labcorp
Classification: Uncertain significance for Succinate-semialdehyde dehydrogenase deficiency. Last evaluated: 2022-03-03. Review status: criteria provided, single submitter. Criteria: Invitae Variant Classification Sherloc (09022015). Collection method: clinical testing. Allele origin: germline.
Comment: This sequence change falls in intron 8 of the ALDH5A1 gene. It does not directly change the encoded amino acid sequence of the ALDH5A1 protein. It affects a nucleotide within the consensus splice site. This variant is not present in population databases (gnomAD no frequency). This variant has not been reported in the literature in individuals affected with ALDH5A1-related conditions. ClinVar contains an entry for this variant (Variation ID: 459977). Variants that disrupt the consensus splice site are a relatively common cause of aberrant splicing (PMID: 17576681, 9536098). Algorithms developed to predict the effect of sequence changes on RNA splicing suggest that this variant may disrupt the consensus splice site. In summary, the available evidence is currently insufficient to determine the role of this variant in disease. Therefore, it has been classified as a Variant of Uncertain Significance.

Literature cited by the submitters: PubMed 17576681; PubMed 9536098.

NM_001080.3(ALDH5A1):c.1343+4A>G

Gene: ALDH5A1 (aldehyde dehydrogenase 5 family member A1; plus strand). Cytogenetic location: 6p22.3.
Variant type: single nucleotide variant.
Coding change: c.1343+4A>G on transcript NM_001080.3 (MANE Select); 4 bases into the intron after coding-DNA position 1343, A replaced by G.
Molecular consequence: intron variant.
Genome position (GRCh38, 1-based): chr6:24,528,170, A>G. VCF-style: chr6-24528170-A-G. GRCh37 (hg19) VCF-style: chr6-24528398-A-G.
Other names: c.1382+4A>G (NM_170740.1); c.1199+4A>G (NM_001368954.1).
Identifiers: ClinVar variation 459977 (VCV000459977.6), dbSNP rs1554137990, ClinGen allele CA658657580.